The following is an entry in ClinVar:

NM_194454.3(KRIT1):c.1721_1730+5del

Gene: KRIT1 (KRIT1 ankyrin repeat containing; minus strand). Cytogenetic location: 7q21.2.
Variant type: Deletion.
Coding change: c.1721_1730+5del on transcript NM_194454.3 (MANE Select); coding-DNA position 1721 through 5 bases into the intron after coding-DNA position 1730, 15 bases deleted (GTTTCCTAAAGTAAG).
Molecular consequence: splice donor variant.
Genome position (GRCh38, 1-based): chr7:92,214,606-92,214,620, CTTACTTTAGGAAAC deleted on the plus strand (GTTTCCTAAAGTAAG on the coding strand, the reverse complement: KRIT1 is on the minus strand); deleting any 15 consecutive bases within chr7:92,214,606-92,214,623 gives the same sequence; the c. name uses the placement nearest the transcript's 3' end. VCF-style (leftmost placement, unchanged base first): chr7-92214605-ACTTACTTTAGGAAAC-A. GRCh37 (hg19) VCF-style: chr7-91843919-ACTTACTTTAGGAAAC-A.
Other names: c.1721_1730+5del (NM_001350672.1, NM_001350676.1, NM_001350673.1 and 26 more transcripts); c.1577_1586+5del (NM_001350669.1, NM_001013406.2, NM_001350670.1); c.1007_1016+5del (NM_001350671.1).
Identifiers: ClinVar variation 2116632 (VCV002116632.4), dbSNP rs2535725121, ClinGen allele CA2580077454.

ClinVar aggregate classification (germline): Likely pathogenic (1 of 4 stars; one submission).

Conditions:
Cerebral cavernous malformation (CCM). Also called: Cerebral cavernous malformations; CAVERNOUS ANGIOMA, FAMILIAL; CAVERNOUS ANGIOMATOUS MALFORMATIONS; CEREBRAL CAPILLARY MALFORMATIONS; Cerebral cavernous hemangioma (type); Cavernous Hemangioma of Brain. Identifiers: Orphanet 221061, MedGen C2919945, MONDO:0000820, OMIM 116860, HP:0033522.

Submission:

Labcorp Genetics (formerly Invitae), Labcorp
Classification: Likely pathogenic for Cerebral cavernous malformation. Last evaluated: 2022-05-12. Review status: criteria provided, single submitter. Criteria: Invitae Variant Classification Sherloc (09022015). Collection method: clinical testing. Allele origin: germline.
Comment: Algorithms developed to predict the effect of sequence changes on RNA splicing suggest that this variant may disrupt the consensus splice site. This variant has been observed in individual(s) with clinical features of KRIT1-related conditions (Invitae). This variant is not present in population databases (gnomAD no frequency). This variant results in the deletion of part of exon 16 of the KRIT1 gene. It is expected to disrupt RNA splicing. Variants that disrupt the donor or acceptor splice site typically lead to a loss of protein function (PMID: 16199547), and loss-of-function variants in KRIT1 are known to be pathogenic (PMID: 10508515, 11222804, 12404106, 24689081). In summary, the currently available evidence indicates that the variant is pathogenic, but additional data are needed to prove that conclusively. Therefore, this variant has been classified as Likely Pathogenic.

Literature cited by the submitters: PubMed 16199547; PubMed 10508515; PubMed 11222804; PubMed 12404106; PubMed 24689081.